The following is an entry in ClinVar:

ClinVar aggregate classification (germline): Uncertain significance (1 of 4 stars; one submission).

Conditions:
Epidermolysis bullosa simplex 5B, with muscular dystrophy (EBS5B). Also called: EPIDERMOLYSIS BULLOSA SIMPLEX AND LIMB-GIRDLE MUSCULAR DYSTROPHY; Epidermolysis bullosa simplex with muscular dystrophy. Identifiers: Orphanet 257, MedGen C2931072, MONDO:0009181, OMIM 226670.
Epidermolysis bullosa simplex, Ogna type (EBS5A). Also called: Pidermolysis bullosa simplex 5A, Ogna type; EPIDERMOLYSIS BULLOSA SIMPLEX 5A, OGNA TYPE. Identifiers: Orphanet 79401, MedGen C0432317, MONDO:0007555, OMIM 131950.
Epidermolysis bullosa simplex 5C, with pyloric atresia (EBS5C). Also called: PLEC-Related Epidermolysis Bullosa with Pyloric Atresia; Epidermolysis bullosa simplex with pyloric atresia; PLEC1-Related Epidermolysis Bullosa with Pyloric Atresia. Identifiers: Orphanet 158684, MedGen C2677349, MONDO:0012807, OMIM 612138.
Autosomal recessive limb-girdle muscular dystrophy type 2Q (LGMDR17). Also called: MUSCULAR DYSTROPHY, LIMB-GIRDLE, AUTOSOMAL RECESSIVE 17. Identifiers: Orphanet 254361, MedGen C3150989, MONDO:0013390, OMIM 613723.
Epidermolysis bullosa simplex with nail dystrophy (EBS5D). Identifiers: MedGen C4225309, MONDO:0014661, OMIM 616487.

Allele frequency attached by ClinVar (database versions not stated): ExAC 0.00002; gnomAD exomes 0.00003; gnomAD 0.00005; TOPMed 0.00005; 1000 Genomes Project 30x 0.00016; 1000 Genomes Project 0.00020.
gnomAD v4.1: 47 of 1,596,888 alleles (0.0029%); highest among the groups gnomAD compares: African/African-American, 0.012%; no homozygotes.

Submission:

Labcorp Genetics (formerly Invitae), Labcorp
Classification: Uncertain significance for Autosomal recessive limb-girdle muscular dystrophy type 2Q; Epidermolysis bullosa simplex, Ogna type; Epidermolysis bullosa simplex with nail dystrophy; Epidermolysis bullosa simplex 5C, with pyloric atresia; Epidermolysis bullosa simplex 5B, with muscular dystrophy. Last evaluated: 2023-10-05. Review status: criteria provided, single submitter. Criteria: Invitae Variant Classification Sherloc (09022015). Collection method: clinical testing. Allele origin: germline.
Comment: This sequence change replaces alanine, which is neutral and non-polar, with threonine, which is neutral and polar, at codon 1882 of the PLEC protein (p.Ala1882Thr). This variant is present in population databases (rs566759064, gnomAD 0.02%). This variant has not been reported in the literature in individuals affected with PLEC-related conditions. ClinVar contains an entry for this variant (Variation ID: 2147944). Experimental studies and prediction algorithms are not available or were not evaluated, and the functional significance of this variant is currently unknown. In summary, the available evidence is currently insufficient to determine the role of this variant in disease. Therefore, it has been classified as a Variant of Uncertain Significance.

NM_201384.3(PLEC):c.5563G>A (p.Ala1855Thr)

Gene: PLEC (plectin; minus strand). Cytogenetic location: 8q24.3.
Variant type: single nucleotide variant.
Coding change: c.5563G>A on transcript NM_201384.3 (MANE Select); coding-DNA position 5563, G replaced by A.
Protein change: p.Ala1855Thr; replaces alanine 1855 with threonine.
Molecular consequence: missense variant.
Genome position (GRCh38, 1-based): chr8:143,924,366, C>T on the plus strand (G>A on the coding strand, the complement: PLEC is on the minus strand). VCF-style: chr8-143924366-C-T. GRCh37 (hg19) VCF-style: chr8-144998534-C-T.
Other names: c.5644G>A, p.Ala1882Thr (NM_000445.5); c.5521G>A, p.Ala1841Thr (NM_201378.4); c.5497G>A, p.Ala1833Thr (NM_201379.3); c.5974G>A, p.Ala1992Thr (NM_201380.4); c.5467G>A, p.Ala1823Thr (NM_201381.3); c.5563G>A, p.Ala1855Thr (NM_201382.4); c.5575G>A, p.Ala1859Thr (NM_201383.3); short protein forms A1855T, A1823T, A1992T, A1833T, A1841T, A1859T, A1882T.
Identifiers: ClinVar variation 2147944 (VCV002147944.4), dbSNP rs566759064, ClinGen allele CA4926324.
Genomic context (GRCh38, chr8:143,924,366, plus strand): 5'-AGGCCTCGTCCTCCGCCAGCCGCCGCAGGCGCTCGTTCTCCGCCTCCTTCTCCTTGAGCG[C>T]GATCTCCGCCTCCGTCTTGAGCCGCGTGGCCTCGCCGATGGCGGCCAGCTTCTCCGCAAG-3'
Protein context (NP_958786.1, residues 1845-1865): ATRLKTEAEI[Ala1855Thr]LKEKEAENER